The following is an entry in ClinVar:

NM_001257096.2(PAX1):c.287-201_854del

Gene: PAX1 (paired box 1; plus strand). Cytogenetic location: 20p11.22.
Variant type: Deletion.
Coding change: c.287-201_854del on transcript NM_001257096.2 (MANE Select); 201 bases into the intron before coding-DNA position 287 through coding-DNA position 854, 769 bases deleted.
Molecular consequence: splice acceptor variant.
Genome position (GRCh38, 1-based): chr20:21,706,237-21,707,005, 769 bases deleted. GRCh37 (hg19): chr20:21,686,875-21,687,643.
Other names: c.287-201_854del (NM_006192.5).
Identifiers: ClinVar variation 3662419 (VCV003662419.2).

ClinVar aggregate classification (germline): Likely pathogenic (1 of 4 stars; one submission).

Submission:

Labcorp Genetics (formerly Invitae), Labcorp
Classification: Likely pathogenic. Last evaluated: 2024-10-28. Review status: criteria provided, single submitter. Criteria: Invitae Variant Classification Sherloc (09022015). Collection method: clinical testing. Allele origin: germline.
Comment: This variant results in the deletion of part of exon 2 (c.287-201_854del) of the PAX1 gene. It is expected to disrupt RNA splicing. Variants that disrupt the donor or acceptor splice site typically lead to a loss of protein function (PMID: 16199547), and loss-of-function variants in PAX1 are known to be pathogenic (PMID: 1889089, 23851939, 28657137, 29681087). This variant is not present in population databases (gnomAD no frequency). This variant has not been reported in the literature in individuals affected with PAX1-related conditions. In summary, the currently available evidence indicates that the variant is pathogenic, but additional data are needed to prove that conclusively. Therefore, this variant has been classified as Likely Pathogenic.

Literature cited by the submitters: PubMed 16199547; PubMed 1889089; PubMed 23851939; PubMed 28657137; PubMed 29681087.